The following is an entry in ClinVar:

NM_003126.4(SPTA1):c.5778C>T (p.Asp1926=)

Gene: SPTA1 (spectrin alpha, erythrocytic 1; minus strand). Cytogenetic location: 1q23.1.
Variant type: single nucleotide variant.
Coding change: c.5778C>T on transcript NM_003126.4 (MANE Select); coding-DNA position 5778, C replaced by T.
Protein change: p.Asp1926=; no amino-acid change (aspartic acid 1926 retained).
Molecular consequence: synonymous variant.
Genome position (GRCh38, 1-based): chr1:158,626,894, G>A on the plus strand (C>T on the coding strand, the complement: SPTA1 is on the minus strand). VCF-style: chr1-158626894-G-A. GRCh37 (hg19) VCF-style: chr1-158596684-G-A.
Other names: p.Asp1926=.
Identifiers: ClinVar variation 292965 (VCV000292965.13), dbSNP rs146520285, ClinGen allele CA1182199.
Genomic context (GRCh38, chr1:158,626,894, plus strand): 5'-CATACCTATCCAAGCCTCTACCACATCAGCCTTCCAGTTGAATTCCTGAAAGGCATAATC[G>A]TCTTCCAATTGCAACTTCCAAGCAGCTATTGCCTTAGCCAGAGAAGGGGTCTTTTCATTC-3'
Protein context (NP_003117.2, residues 1916-1936): AIAAWKLQLE[Asp1926=]DYAFQEFNWK

ClinVar aggregate classification (germline): Conflicting classifications of pathogenicity. Review status: criteria provided, conflicting classifications (1 of 4 stars). 7 submissions from 5 submitters: Uncertain significance (2); Benign (3); Likely benign (2). Last evaluated 2025-11-12.

Conditions:
Hereditary spherocytosis type 3. Also called: Spherocytosis type 3; SPTA1-Related Spherocytosis. Identifiers: Orphanet 822, MedGen C2678338, MONDO:0010053, OMIM 270970.
Elliptocytosis 2 (EL2). Also called: ELLIPTOCYTOSIS, RHESUS-UNLINKED TYPE. Identifiers: Orphanet 288, MedGen C1851741, MONDO:0007533, OMIM 130600.
Pyropoikilocytosis, hereditary. Also called: Pyropoikilocytosis. Identifiers: MedGen C0520739, MONDO:0009948, OMIM 266140, HP:0004839. Disease mechanism: loss of function.

Allele frequency attached by ClinVar (database versions not stated): gnomAD exomes 0.00031 and 0.00113; gnomAD 0.00036 and 0.00051; TOPMed 0.00058; ExAC 0.00108; 1000 Genomes Project 30x 0.00250; 1000 Genomes Project 0.00260.
gnomAD v4.1: 528 of 1,613,838 alleles (0.033%); highest among the groups gnomAD compares: East Asian, 0.94%; 3 homozygotes.

Submissions (7):

Labcorp Genetics (formerly Invitae), Labcorp
Classification: Benign. Last evaluated: 2025-11-12. Review status: criteria provided, single submitter. Criteria: Invitae Variant Classification Sherloc (09022015). Collection method: clinical testing. Allele origin: germline.

ARUP Laboratories, Molecular Genetics and Genomics, ARUP Laboratories
Classification: Benign. Last evaluated: 2025-07-15. Review status: criteria provided, single submitter. Criteria: ARUP Molecular Germline Variant Investigation Process 2024. Collection method: clinical testing. Allele origin: germline.

Blueprint Genetics
Classification: Likely benign. Last evaluated: 2024-09-18. Review status: criteria provided, single submitter. Criteria: ACMG Guidelines, 2015. Collection method: clinical testing. Allele origin: germline.

Mayo Clinic Laboratories, Mayo Clinic
Classification: Benign. Last evaluated: 2023-09-06. Review status: criteria provided, single submitter. Criteria: ACMG Guidelines, 2015. Collection method: clinical testing. Allele origin: germline. Observed: 3 variant alleles.
Comment: BS1, BP4, BP7

Illumina Laboratory Services, Illumina
Classification: Uncertain significance for Hereditary spherocytosis type 3. Last evaluated: 2018-01-12. Review status: criteria provided, single submitter. Criteria: ICSL Variant Classification Criteria 13 December 2019. Collection method: clinical testing. Allele origin: germline.

Illumina Laboratory Services, Illumina
Classification: Uncertain significance for Pyropoikilocytosis, hereditary. Last evaluated: 2018-01-12. Review status: criteria provided, single submitter. Criteria: ICSL Variant Classification Criteria 13 December 2019. Collection method: clinical testing. Allele origin: germline.

Illumina Laboratory Services, Illumina
Classification: Likely benign for Elliptocytosis 2. Last evaluated: 2018-01-12. Review status: criteria provided, single submitter. Criteria: ICSL Variant Classification Criteria 13 December 2019. Collection method: clinical testing. Allele origin: germline.
Comment: This variant was observed in the ICSL laboratory as part of a predisposition screen in an ostensibly healthy population. It had not been previously curated by ICSL or reported in the Human Gene Mutation Database (HGMD: prior to June 1st, 2018), and was therefore a candidate for classification through an automated scoring system. Utilizing variant allele frequency, disease prevalence and penetrance estimates, and inheritance mode, an automated score was calculated to assess if this variant is too frequent to cause the disease. Based on the score and internal cut-off values, a variant classified as likely benign is not then subjected to further curation. The score for this variant resulted in a classification of likely benign for this disease.